The following is an entry in ClinVar:

NM_022765.4(MICAL1):c.2576C>T (p.Pro859Leu)

Gene: MICAL1 (microtubule associated monooxygenase, calponin and LIM domain containing 1; minus strand). Cytogenetic location: 6q21.
Variant type: single nucleotide variant.
Coding change: c.2576C>T on transcript NM_022765.4 (MANE Select); coding-DNA position 2576, C replaced by T.
Protein change: p.Pro859Leu; replaces proline 859 with leucine.
Molecular consequence: missense variant.
Genome position (GRCh38, 1-based): chr6:109,446,141, G>A on the plus strand (C>T on the coding strand, the complement: MICAL1 is on the minus strand). VCF-style: chr6-109446141-G-A. GRCh37 (hg19) VCF-style: chr6-109767344-G-A.
Other names: c.2318C>T, p.Pro773Leu (NM_001159291.2); c.2633C>T, p.Pro878Leu (NM_001286613.2); short protein forms P878L, P859L, P773L.
Identifiers: ClinVar variation 4771589 (VCV004771589.1).

ClinVar aggregate classification (germline): Uncertain significance (1 of 4 stars; one submission).

Submission:

Labcorp Genetics (formerly Invitae), Labcorp
Classification: Uncertain significance. Last evaluated: 2025-10-01. Review status: criteria provided, single submitter. Criteria: Invitae Variant Classification Sherloc (09022015). Collection method: clinical testing. Allele origin: germline.
Comment: This sequence change replaces proline, which is neutral and non-polar, with leucine, which is neutral and non-polar, at codon 878 of the MICAL1 protein (p.Pro878Leu). This variant is not present in population databases (gnomAD no frequency). This variant has not been reported in the literature in individuals affected with MICAL1-related conditions. An algorithm developed to predict the effect of missense changes on protein structure and function outputs the following: PolyPhen-2: "Benign". The leucine amino acid residue is found in multiple mammalian species, which suggests that this missense change does not adversely affect protein function. In summary, the available evidence is currently insufficient to determine the role of this variant in disease. Therefore, it has been classified as a Variant of Uncertain Significance.